The following is an entry in ClinVar:

ClinVar aggregate classification (germline): Likely pathogenic (1 of 4 stars; one submission).

Allele frequency attached by ClinVar (database versions not stated): gnomAD exomes below 0.00001 and 0.00002; gnomAD 0.00001; ExAC 0.00002; TOPMed 0.00002.
gnomAD v4.1: 6 of 1,605,708 alleles (0.00037%); highest among the groups gnomAD compares: Admixed American, 0.01%; no homozygotes.

Submission:

Labcorp Genetics (formerly Invitae), Labcorp
Classification: Likely pathogenic. Last evaluated: 2025-04-17. Review status: criteria provided, single submitter. Criteria: Invitae Variant Classification Sherloc (09022015). Collection method: clinical testing. Allele origin: germline.
Comment: This sequence change affects a donor splice site in intron 3 of the TTC19 gene. It is expected to disrupt RNA splicing. Variants that disrupt the donor or acceptor splice site typically lead to a loss of protein function (PMID: 16199547), and loss-of-function variants in TTC19 are known to be pathogenic (PMID: 21278747, 24368687). This variant is present in population databases (rs781491387, gnomAD 0.01%). This variant has not been reported in the literature in individuals affected with TTC19-related conditions. ClinVar contains an entry for this variant (Variation ID: 1515047). Algorithms developed to predict the effect of sequence changes on RNA splicing suggest that this variant may disrupt the consensus splice site. In summary, the currently available evidence indicates that the variant is pathogenic, but additional data are needed to prove that conclusively. Therefore, this variant has been classified as Likely Pathogenic.

Literature cited by the submitters: PubMed 16199547; PubMed 21278747; PubMed 24368687.

NM_017775.4(TTC19):c.423+1G>C

Gene: TTC19 (tetratricopeptide repeat domain 19; plus strand). Cytogenetic location: 17p12.
Variant type: single nucleotide variant.
Coding change: c.423+1G>C on transcript NM_017775.4 (MANE Select); the canonical splice donor site of the intron after coding-DNA position 423, G replaced by C.
Molecular consequence: splice donor variant.
Genome position (GRCh38, 1-based): chr17:16,002,026, G>C. VCF-style: chr17-16002026-G-C. GRCh37 (hg19) VCF-style: chr17-15905340-G-C.
Other names: c.102+1G>C (NM_001271420.2).
Identifiers: ClinVar variation 1515047 (VCV001515047.8), dbSNP rs781491387, ClinGen allele CA8407336.
Genomic context (GRCh38, chr17:16,002,026, plus strand): 5'-GCTCTTCGTCTCGCCTATCAGACTGATAACAAGAAGGCCATCACTTACACTTATGATTTG[G>C]TAACTCTTATAACCAGTCTGAACCACTGATGAGGAAGGTTGGATGGGAGGGAAGGGTAGT-3'